The following is an entry in ClinVar:

NM_000059.4(BRCA2):c.4519C>G (p.Gln1507Glu)

Gene: BRCA2 (BRCA2 DNA repair associated; plus strand). Cytogenetic location: 13q13.1.
Variant type: single nucleotide variant.
Coding change: c.4519C>G on transcript NM_000059.4 (MANE Select); coding-DNA position 4519, C replaced by G.
Protein change: p.Gln1507Glu; replaces glutamine 1507 with glutamic acid.
Molecular consequence: missense variant. On other transcripts: non-coding transcript variant (1), intron variant (2).
Genome position (GRCh38, 1-based): chr13:32,338,874, C>G. VCF-style: chr13-32338874-C-G. GRCh37 (hg19) VCF-style: chr13-32913011-C-G.
Other names: c.4519C>G, p.Gln1507Glu (NM_001406719.1, NM_001406720.1, NM_001432077.1); c.1909+5487C>G (NM_001406721.1); c.425-5684C>G (NM_001406722.1); short protein forms Q1507E.
Identifiers: ClinVar variation 4281934 (VCV004281934.1).

ClinVar aggregate classification (germline): Uncertain significance (1 of 4 stars; one submission).

gnomAD v4.1: 1 of 1,613,938 alleles (0.000062%); highest among the groups gnomAD compares: South Asian, 0.0011%; no homozygotes.

Submission:

GeneDx
Classification: Uncertain significance. Last evaluated: 2025-04-08. Review status: criteria provided, single submitter. Criteria: GeneDx Variant Classification Process June 2021. Collection method: clinical testing. Allele origin: germline. Affected: yes.
Comment: Not observed at significant frequency in large population cohorts (gnomAD); In silico analysis supports that this missense variant has a deleterious effect on protein structure/function; Has not been previously published as pathogenic or benign to our knowledge